The following is an entry in ClinVar:

ClinVar aggregate classification (germline): Uncertain significance. Review status: criteria provided, multiple submitters, no conflicts (2 of 4 stars). 2 submissions from 2 submitters: Uncertain significance (2). Last evaluated 2024-08-05.

Allele frequency attached by ClinVar (database versions not stated): gnomAD 0.00001 and 0.00002; ExAC 0.00002; gnomAD exomes 0.00002.
gnomAD v4.1: 9 of 1,613,556 alleles (0.00056%); highest among the groups gnomAD compares: Admixed American, 0.01%; no homozygotes.

Submissions (2):

GeneDx
Classification: Uncertain significance. Last evaluated: 2024-08-05. Review status: criteria provided, single submitter. Criteria: GeneDx Variant Classification Process June 2021. Collection method: clinical testing. Allele origin: germline. Affected: yes.
Comment: Not observed at significant frequency in large population cohorts (gnomAD); In silico analysis supports that this missense variant has a deleterious effect on protein structure/function; Has not been previously published as pathogenic or benign to our knowledge

Labcorp Genetics (formerly Invitae), Labcorp
Classification: Uncertain significance. Last evaluated: 2022-07-12. Review status: criteria provided, single submitter. Criteria: Invitae Variant Classification Sherloc (09022015). Collection method: clinical testing. Allele origin: germline.
Comment: Algorithms developed to predict the effect of missense changes on protein structure and function are either unavailable or do not agree on the potential impact of this missense change (SIFT: "Tolerated"; PolyPhen-2: "Probably Damaging"; Align-GVGD: "Class C0"). Algorithms developed to predict the effect of sequence changes on RNA splicing suggest that this variant may create or strengthen a splice site. In summary, the available evidence is currently insufficient to determine the role of this variant in disease. Therefore, it has been classified as a Variant of Uncertain Significance. ClinVar contains an entry for this variant (Variation ID: 1470444). This sequence change replaces glycine, which is neutral and non-polar, with alanine, which is neutral and non-polar, at codon 3039 of the SZT2 protein (p.Gly3039Ala). This variant is present in population databases (rs763255744, gnomAD 0.01%). This variant has not been reported in the literature in individuals affected with SZT2-related conditions.

NM_001365999.1(SZT2):c.9287G>C (p.Gly3096Ala)

Gene: SZT2 (SZT2 subunit of KICSTOR complex; plus strand). Cytogenetic location: 1p34.2.
Variant type: single nucleotide variant.
Coding change: c.9287G>C on transcript NM_001365999.1 (MANE Select); coding-DNA position 9287, G replaced by C.
Protein change: p.Gly3096Ala; replaces glycine 3096 with alanine.
Molecular consequence: missense variant.
Genome position (GRCh38, 1-based): chr1:43,447,545, G>C. VCF-style: chr1-43447545-G-C. GRCh37 (hg19) VCF-style: chr1-43913216-G-C.
Other names: c.9116G>C, p.Gly3039Ala (NM_015284.4); c.9116G>C (NM_015284.3); short protein forms G3096A, G3039A.
Identifiers: ClinVar variation 1470444 (VCV001470444.5), dbSNP rs763255744, ClinGen allele CA810876.